The following is an entry in ClinVar:

ClinVar aggregate classification (germline): Pathogenic (1 of 4 stars; one submission).

Conditions:
Structural heart defects and renal anomalies syndrome (SHDRA). Identifiers: Orphanet 689822, MedGen C4479549, MONDO:0044321, OMIM 617478.

Submission:

Juno Genomics, Hangzhou Juno Genomics, Inc
Classification: Pathogenic for Structural heart defects and renal anomalies syndrome. Review status: criteria provided, single submitter. Criteria: ACMG Guidelines, 2015. Collection method: clinical testing. Allele origin: germline. Affected: yes.
Comment: Absent from controls (or at extremely low frequency if recessive) in Genome Aggregation Database, Exome Sequencing Project, 1000 Genomes Project, or Exome Aggregation Consortium.;Null variant in a gene where loss of function (LOF) is a known mechanism of disease.;Patient's phenotype or family history is highly specific for a disease with a single genetic etiology.

NM_017799.4(TMEM260):c.344+1dup

Gene: TMEM260 (transmembrane protein 260; plus strand). Cytogenetic location: 14q22.3.
Variant type: Duplication.
Coding change: c.344+1dup on transcript NM_017799.4 (MANE Select); the canonical splice donor site of the intron after coding-DNA position 344, one base duplicated (G; older notation c.344+1dupG).
Molecular consequence: splice donor variant.
Genome position (GRCh38, 1-based): chr14:56,585,913, G duplicated; the last of 2 consecutive G bases (chr14:56,585,912-56,585,913); duplicating either gives the same sequence. VCF-style (leftmost placement, unchanged base first): chr14-56585911-A-AG. GRCh37 (hg19) VCF-style: chr14-57052629-A-AG.
Other names: c.344dup (NM_017799.4).
Identifiers: ClinVar variation 3382584 (VCV003382584.2).